The following is an entry in ClinVar:

ClinVar aggregate classification (germline): Conflicting classifications of pathogenicity. Review status: criteria provided, conflicting classifications (1 of 4 stars). 6 submissions from 6 submitters: Uncertain significance (3); Likely benign (3). Last evaluated 2026-01-19.

Conditions:
Bardet-Biedl syndrome (BBS). Identifiers: Orphanet 110, MedGen C0752166, MONDO:0015229.
Sarcotubular myopathy (LGMDR8). Also called: Hutterite type of muscular dystrophy; Limb-girdle muscular dystrophy, type 2H; MUSCULAR DYSTROPHY, LIMB-GIRDLE, AUTOSOMAL RECESSIVE 8; Autosomal recessive limb-girdle muscular dystrophy type 2H. Identifiers: Orphanet 1878, MedGen C0270968, MONDO:0009683, OMIM 254110.
Bardet-Biedl syndrome 11 (BBS11). Identifiers: Orphanet 110, MedGen C1859569, MONDO:0014439, OMIM 615988.

Allele frequency attached by ClinVar (database versions not stated): TOPMed 0.00008.
gnomAD v4.1: 218 of 1,614,180 alleles (0.014%); highest among the groups gnomAD compares: Non-Finnish European, 0.017%; no homozygotes.

Submissions (6):

Labcorp Genetics (formerly Invitae), Labcorp
Classification: Likely benign for Bardet-Biedl syndrome. Last evaluated: 2026-01-19. Review status: criteria provided, single submitter. Criteria: Invitae Variant Classification Sherloc (09022015). Collection method: clinical testing. Allele origin: germline.

Fulgent Genetics
Classification: Uncertain significance for Sarcotubular myopathy; Bardet-Biedl syndrome 11. Last evaluated: 2024-04-29. Review status: criteria provided, single submitter. Criteria: ACMG Guidelines, 2015. Collection method: clinical testing. Allele origin: germline.

Athena Diagnostics
Classification: Uncertain significance. Last evaluated: 2021-03-04. Review status: criteria provided, single submitter. Criteria: Athena Diagnostics criteria. Collection method: clinical testing. Allele origin: unknown.

GeneDx
Classification: Likely benign. Last evaluated: 2018-03-01. Review status: criteria provided, single submitter. Criteria: GeneDx Variant Classification (06012015). Collection method: clinical testing. Allele origin: germline. Affected: yes.
Comment: This variant is considered likely benign or benign based on one or more of the following criteria: it is a conservative change, it occurs at a poorly conserved position in the protein, it is predicted to be benign by multiple in silico algorithms, and/or has population frequency not consistent with disease.

Eurofins Ntd Llc (ga)
Classification: Uncertain significance. Last evaluated: 2017-12-14. Review status: criteria provided, single submitter. Criteria: EGL Classification Definitions 2015. Collection method: clinical testing. Allele origin: germline. Observed: 3 variant alleles, 3 heterozygotes.

PreventionGenetics, part of Exact Sciences
Classification: Likely benign. Review status: criteria provided, single submitter. Criteria: ACMG Guidelines, 2015. Collection method: clinical testing. Allele origin: germline.

NM_012210.4(TRIM32):c.1710G>A (p.Ser570=)

Genes: ASTN2 (astrotactin 2; minus strand), TRIM32 (tripartite motif containing 32; plus strand). Cytogenetic location: 9q33.1.
Variant type: single nucleotide variant.
Coding change: c.1710G>A on transcript NM_012210.4 (MANE Select); coding-DNA position 1710, G replaced by A.
Protein change: p.Ser570=; no amino-acid change (serine 570 retained).
Molecular consequence: synonymous variant. On other transcripts: intron variant (3).
Genome position (GRCh38, 1-based): chr9:116,699,452, G>A. VCF-style: chr9-116699452-G-A. GRCh37 (hg19) VCF-style: chr9-119461731-G-A.
Other names: c.2653+26319C>T (NM_014010.5); c.2794+26319C>T (NM_001365069.1); c.2806+26319C>T (NM_001365068.1); c.1710G>A, p.Ser570= (NM_001099679.2, NM_001379048.1, NM_001379049.1 and 1 more transcripts).
Identifiers: ClinVar variation 260215 (VCV000260215.15), dbSNP rs555217187, ClinGen allele CA5211198.
Genomic context (GRCh38, chr9:116,699,452, plus strand): 5'-TTCCATTGGCTCTGTAGGCCCTGATGGGCAGCTGGGTCGCCAGATTAGCCACTTCTTCTC[G>A]GAGAATGAGGATTTCCGCTGCATTGCTGGCATGTGTGTGGATGCTCGTGGTGATCTCATC-3'
Protein context (NP_036342.2, residues 560-580): QLGRQISHFF[Ser570=]ENEDFRCIAG